The following is an entry in ClinVar:

NM_001367624.2(ZNF469):c.11646G>A (p.Pro3882=)

Gene: ZNF469 (zinc finger protein 469; plus strand). Cytogenetic location: 16q24.2.
Variant type: single nucleotide variant.
Coding change: c.11646G>A on transcript NM_001367624.2 (MANE Select); coding-DNA position 11646, G replaced by A.
Protein change: p.Pro3882=; no amino-acid change (proline 3882 retained).
Molecular consequence: synonymous variant.
Genome position (GRCh38, 1-based): chr16:88,439,116, G>A. VCF-style: chr16-88439116-G-A. GRCh37 (hg19) VCF-style: chr16-88505524-G-A.
Other names: NM_001127464.1:c.11562G>A; NM_001127464.2:c.11562G>A.
Identifiers: ClinVar variation 1735333 (VCV001735333.6), dbSNP rs534962147, ClinGen allele CA8225633.

ClinVar aggregate classification (germline): Likely benign. Review status: criteria provided, multiple submitters, no conflicts (2 of 4 stars). 3 submissions from 3 submitters: Likely benign (3). Last evaluated 2024-11-09.

Conditions:
ZNF469-related disorder. Also called: ZNF469-related condition.
Cardiovascular phenotype. Identifiers: MedGen CN230736.

Allele frequency attached by ClinVar (database versions not stated): ExAC 0.00005.
gnomAD v4.1: 20 of 1,550,936 alleles (0.0013%); highest among the groups gnomAD compares: Middle Eastern, 0.017%; no homozygotes.

Submissions (3):

PreventionGenetics, part of Exact Sciences
Classification: Likely benign for ZNF469-related condition. Last evaluated: 2024-11-09. Review status: criteria provided, single submitter. Criteria: ACMG Guidelines, 2015. Collection method: clinical testing. Allele origin: germline.
Comment: This variant is classified as likely benign based on ACMG/AMP sequence variant interpretation guidelines (Richards et al. 2015 PMID: 25741868, with internal and published modifications).

Labcorp Genetics (formerly Invitae), Labcorp
Classification: Likely benign. Last evaluated: 2024-10-02. Review status: criteria provided, single submitter. Criteria: Invitae Variant Classification Sherloc (09022015). Collection method: clinical testing. Allele origin: germline.

Ambry Genetics
Classification: Likely benign for Cardiovascular phenotype. Last evaluated: 2020-11-08. Review status: criteria provided, single submitter. Criteria: Ambry Variant Classification Scheme 2023. Collection method: clinical testing. Allele origin: germline.